The following is an entry in ClinVar:

NM_001256627.2(BRSK2):c.539A>G (p.His180Arg)

Gene: BRSK2 (BR serine/threonine kinase 2; plus strand). Cytogenetic location: 11p15.5.
Variant type: single nucleotide variant.
Coding change: c.539A>G on transcript NM_001256627.2 (MANE Select); coding-DNA position 539, A replaced by G.
Protein change: p.His180Arg; replaces histidine 180 with arginine.
Molecular consequence: missense variant. On other transcripts: non-coding transcript variant (1).
Genome position (GRCh38, 1-based): chr11:1,443,114, A>G. VCF-style: chr11-1443114-A-G. GRCh37 (hg19) VCF-style: chr11-1464344-A-G.
Other names: c.539A>G, p.His180Arg (NM_001256629.2, NM_003957.4); c.677A>G, p.His226Arg (NM_001256630.1); c.359A>G, p.His120Arg (NM_001282218.2); short protein forms H120R, H180R, H226R.
Identifiers: ClinVar variation 3361260 (VCV003361260.1).
Genomic context (GRCh38, chr11:1,443,114, plus strand): 5'-AGGGCCTGGCAGCGCCCGGAGCCCCGCCGCTGACCTCTGCCCTTGCCCGCAGGTCCCCCC[A>G]CTACGCCTGCCCCGAGGTGATCCGGGTGAGTCAGCGCCGCCGCGTGCAGCTCTGTGGGGC-3'
Protein context (NP_001243556.1, residues 170-190): SLLETSCGSP[His180Arg]YACPEVIRGE

ClinVar aggregate classification (germline): Uncertain significance (1 of 4 stars; one submission).

Submission:

GeneDx
Classification: Uncertain significance. Last evaluated: 2023-07-18. Review status: criteria provided, single submitter. Criteria: GeneDx Variant Classification Process June 2021. Collection method: clinical testing. Allele origin: germline. Affected: yes.
Comment: Not observed at significant frequency in large population cohorts (gnomAD); In silico analysis supports that this missense variant has a deleterious effect on protein structure/function; Has not been previously published as pathogenic or benign to our knowledge